The following is an entry in ClinVar:

NM_015015.3(KDM4B):c.832G>T (p.Ala278Ser)

Gene: KDM4B (lysine demethylase 4B; plus strand). Cytogenetic location: 19p13.3.
Variant type: single nucleotide variant.
Coding change: c.832G>T on transcript NM_015015.3 (MANE Select); coding-DNA position 832, G replaced by T.
Protein change: p.Ala278Ser; replaces alanine 278 with serine.
Molecular consequence: missense variant.
Genome position (GRCh38, 1-based): chr19:5,082,418, G>T. VCF-style: chr19-5082418-G-T. GRCh37 (hg19) VCF-style: chr19-5082429-G-T.
Other names: c.832G>T, p.Ala278Ser (NM_001370093.1, NM_001370094.1, NM_001411148.1); short protein forms A278S.
Identifiers: ClinVar variation 4086634 (VCV004086634.1).

ClinVar aggregate classification (germline): Uncertain significance (1 of 4 stars; one submission).

Submission:

GeneDx
Classification: Uncertain significance. Last evaluated: 2025-03-18. Review status: criteria provided, single submitter. Criteria: GeneDx Variant Classification Process June 2021. Collection method: clinical testing. Allele origin: germline. Affected: yes.
Comment: Not observed at significant frequency in large population cohorts (gnomAD); In silico analysis supports that this missense variant has a deleterious effect on protein structure/function; Has not been previously published as pathogenic or benign to our knowledge